The following is an entry in ClinVar:

NM_001903.5(CTNNA1):c.*1G>A

Gene: CTNNA1 (catenin alpha 1; plus strand). Cytogenetic location: 5q31.2.
Variant type: single nucleotide variant.
Coding change: c.*1G>A on transcript NM_001903.5 (MANE Select); 1 bases downstream of the stop codon, G replaced by A.
Molecular consequence: 3 prime UTR variant.
Genome position (GRCh38, 1-based): chr5:138,934,090, G>A. VCF-style: chr5-138934090-G-A. GRCh37 (hg19) VCF-style: chr5-138269779-G-A.
Other names: c.*1G>A (NM_001323990.1, NM_001323991.1, NM_001323992.1 and 28 more transcripts); c.*267G>A (NM_001324002.1, NM_001324003.1, NM_001324004.1 and 2 more transcripts).
Identifiers: ClinVar variation 3773331 (VCV003773331.1).
Genomic context (GRCh38, chr5:138,934,090, plus strand): 5'-AAGAAGCACGTGAACCCGGTGCAGGCCCTCAGCGAGTTCAAAGCTATGGACAGCATCTAA[G>A]TCTGCCCAGGCCGGCCGCCCCCACCCCTCGGGGCTCCTGAATATCAGTCACTGTTCGTCA-3'

ClinVar aggregate classification (germline): Benign (1 of 4 stars; one submission).

Conditions:
Hereditary diffuse gastric adenocarcinoma (HDGC). Also called: DIFFUSE GASTRIC AND LOBULAR BREAST CANCER SYNDROME. Identifiers: Orphanet 26106, MedGen C1708349, MONDO:0007648, OMIM 137215.

gnomAD v4.1: 1 of 1,608,758 alleles (0.000062%); no homozygotes.

Submission:

Myriad Genetics, Inc.
Classification: Benign for Hereditary diffuse gastric adenocarcinoma. Last evaluated: 2024-10-16. Review status: criteria provided, single submitter. Criteria: Myriad Autosomal Dominant, Autosomal Recessive and X-Linked Classification Criteria (2023). Collection method: clinical testing. Allele origin: unknown.
Comment: This variant is considered benign. This variant occurs in the non-coding 3' untranslated region of the gene, and is not expected to impact protein function.